The following is an entry in ClinVar:

ClinVar aggregate classification (germline): Uncertain significance (1 of 4 stars; one submission).

Conditions:
Glycogen storage disease, type II (IOPD). Also called: GLYCOGENOSIS, GENERALIZED, CARDIAC FORM; GSD II; CARDIOMEGALIA GLYCOGENICA DIFFUSA; Glycogen storage disease type 2; Acid maltase deficiency disease; Aglucosidase alfa. Identifiers: Orphanet 365, MedGen C0017921, MONDO:0009290, OMIM 232300.

Submission:

Labcorp Genetics (formerly Invitae), Labcorp
Classification: Uncertain significance for Glycogen storage disease, type II. Last evaluated: 2022-08-23. Review status: criteria provided, single submitter. Criteria: Invitae Variant Classification Sherloc (09022015). Collection method: clinical testing. Allele origin: germline.
Comment: This sequence change replaces serine, which is neutral and polar, with arginine, which is basic and polar, at codon 88 of the GAA protein (p.Ser88Arg). This variant is not present in population databases (gnomAD no frequency). This variant has not been reported in the literature in individuals affected with GAA-related conditions. Advanced modeling of protein sequence and biophysical properties (such as structural, functional, and spatial information, amino acid conservation, physicochemical variation, residue mobility, and thermodynamic stability) performed at Invitae indicates that this missense variant is not expected to disrupt GAA protein function. In summary, the available evidence is currently insufficient to determine the role of this variant in disease. Therefore, it has been classified as a Variant of Uncertain Significance.

NM_000152.5(GAA):c.264C>G (p.Ser88Arg)

Gene: GAA (alpha glucosidase; plus strand). Cytogenetic location: 17q25.3.
Variant type: single nucleotide variant.
Coding change: c.264C>G on transcript NM_000152.5 (MANE Select); coding-DNA position 264, C replaced by G.
Protein change: p.Ser88Arg; replaces serine 88 with arginine.
Molecular consequence: missense variant.
Genome position (GRCh38, 1-based): chr17:80,104,850, C>G. VCF-style: chr17-80104850-C-G. GRCh37 (hg19) VCF-style: chr17-78078649-C-G.
Other names: c.264C>G, p.Ser88Arg (NM_001079803.3, NM_001079804.3, NM_001406741.1 and 1 more transcripts); short protein forms S88R.
Identifiers: ClinVar variation 2139403 (VCV002139403.1), dbSNP rs1470933192, ClinGen allele CA401360566.
Genomic context (GRCh38, chr17:80,104,850, plus strand): 5'-CCAGGCACACCCCGGCCGTCCCAGAGCAGTGCCCACACAGTGCGACGTCCCCCCCAACAG[C>G]CGCTTCGATTGCGCCCCTGACAAGGCCATCACCCAGGAACAGTGCGAGGCCCGCGGCTGT-3'
Protein context (NP_000143.2, residues 78-98): VPTQCDVPPN[Ser88Arg]RFDCAPDKAI